The following is an entry in ClinVar:

ClinVar aggregate classification (germline): Uncertain significance (1 of 4 stars; one submission).

Conditions:
Immunodeficiency 39 (IMD39). Identifiers: Orphanet 574918, MedGen C4225358, MONDO:0014597, OMIM 616345.

Allele frequency attached by ClinVar (database versions not stated): gnomAD 0.00003; gnomAD exomes below 0.00001; TOPMed 0.00002; ExAC 0.00003.
gnomAD v4.1: 10 of 1,608,422 alleles (0.00062%); highest among the groups gnomAD compares: Admixed American, 0.0068%; no homozygotes.

Submission:

Labcorp Genetics (formerly Invitae), Labcorp
Classification: Uncertain significance for Immunodeficiency 39. Last evaluated: 2025-11-06. Review status: criteria provided, single submitter. Criteria: Invitae Variant Classification Sherloc (09022015). Collection method: clinical testing. Allele origin: germline.
Comment: This sequence change replaces threonine, which is neutral and polar, with methionine, which is neutral and non-polar, at codon 255 of the IRF7 protein (p.Thr255Met). This variant is present in population databases (rs775381446, gnomAD 0.006%). This variant has not been reported in the literature in individuals affected with IRF7-related conditions. ClinVar contains an entry for this variant (Variation ID: 2965968). An algorithm developed to predict the effect of missense changes on protein structure and function (PolyPhen-2) suggests that this variant is likely to be tolerated. In summary, the available evidence is currently insufficient to determine the role of this variant in disease. Therefore, it has been classified as a Variant of Uncertain Significance.

NM_001572.5(IRF7):c.725C>T (p.Thr242Met)

Gene: IRF7 (interferon regulatory factor 7; minus strand). Cytogenetic location: 11p15.5.
Variant type: single nucleotide variant.
Coding change: c.725C>T on transcript NM_001572.5 (MANE Select); coding-DNA position 725, C replaced by T.
Protein change: p.Thr242Met; replaces threonine 242 with methionine.
Molecular consequence: missense variant. On other transcripts: intron variant (1).
Genome position (GRCh38, 1-based): chr11:613,992, G>A on the plus strand (C>T on the coding strand, the complement: IRF7 is on the minus strand). VCF-style: chr11-613992-G-A. GRCh37 (hg19) VCF-style: chr11-613992-G-A.
Other names: c.764C>T, p.Thr255Met (NM_004031.4); c.680-127C>T (NM_004029.4); short protein forms T255M, T242M.
Identifiers: ClinVar variation 2965968 (VCV002965968.3), dbSNP rs775381446, ClinGen allele CA5783812.